The following is an entry in ClinVar:

NM_004700.4(KCNQ4):c.803CCT[1] (p.Ser269del)

Gene: KCNQ4 (potassium voltage-gated channel subfamily Q member 4; plus strand). Cytogenetic location: 1p34.2.
Variant type: Microsatellite.
Coding change: c.803CCT[1] on transcript NM_004700.4 (MANE Select); one copy of the 3-base unit CCT starting at c.803; the reference has two copies in a row; one copy, 3 bases deleted; also written c.806_808del.
Protein change: p.Ser269del; deletes serine 269.
Molecular consequence: inframe deletion.
Genome position (GRCh38, 1-based): chr1:40,819,444-40,819,446, CCT deleted; deleting any 3 consecutive bases within chr1:40,819,439-40,819,446 gives the same sequence; the position shown is the placement nearest the transcript's 3' end. VCF-style (leftmost placement, unchanged base first): chr1-40819438-TCTC-T. GRCh37 (hg19) VCF-style: chr1-41285110-TCTC-T.
Other names: c.806_808delCCT (NM_004700.3); c.806_808del (NM_004700.4); c.803_805CCT[1] (NM_004700.4); c.803CCT[1], p.Ser269del (NM_172163.3); short protein forms S269del.
Identifiers: ClinVar variation 208366 (VCV000208366.16), dbSNP rs797044966, ClinGen allele CA347424.

ClinVar aggregate classification (germline): Pathogenic. Review status: reviewed by expert panel (3 of 4 stars). 7 submissions from 7 submitters: Pathogenic (1). 6 of the submissions do not count toward it. Last evaluated 2023-06-27.

Conditions:
KCNQ4-related disorder. Also called: KCNQ4-related condition.
Nonsyndromic genetic hearing loss. Also called: Nonsyndromic hearing loss and deafness; Non-syndromic genetic deafness; Nonsyndromic genetic deafness. Identifiers: Orphanet 87884, MedGen C5680182, MONDO:0019497.
Autosomal dominant nonsyndromic hearing loss 2A. Also called: Autosomal dominant nonsyndromic deafness 2A; DFNA2 Nonsyndromic Hearing Loss; Deafness, autosomal dominant 2A. Identifiers: Orphanet 90635, MedGen C2677637, MONDO:0010817, OMIM 600101.

Submissions (7):

ClinGen Hearing Loss Variant Curation Expert Panel
Classification: Pathogenic for Nonsyndromic genetic hearing loss. Last evaluated: 2023-06-27. Review status: reviewed by expert panel. Criteria: Clingen Hl Acmg Specifications Cdh23 Coch Gjb2 Kcnq4 Myo6 Myo7a Slc26a4 Tecta Ush2a V2. Collection method: curation. Allele origin: germline. Inheritance: Autosomal dominant inheritance.
Comment: The c.803_805CCT[1] (aka c.806_808del) variant is predicted to cause a change in the length of the protein due to an in-frame deletion of 1 amino acid (p.Ser269del). It is absent from gnomAD v2.1.1 (PM2_Supporting). The variant has been reported in at least 5 probands with autosomal dominant hearing loss (PS4_Supporting; PMID: 23399560, 23443030, 34316018, LMM unpublished data SCV000967428.1). The variant has been observed to segregate with hearing loss in 12 affected individuals from 1 family (PP1_Strong; PMID: 23443030). This variant causes a change in the length of the protein due to an in-frame deletion between the S5 membrane-spanning domain and the pore region, which is important for protein function (PM4, PMID: 23717403). Patch-clamp studies in HEK293T cells revealed significantly reduced whole-cell potassium currents, and KCNQ openers did not rescue KCNQ4 mutant channels (PMID: 34316018, PS3_Moderate). In summary, this variant meets criteria to be classified as pathogenic for autosomal dominant nonsyndromic hearing loss. ACMG/AMP Criteria applied as specified by the ClinGen Hearing Loss VCEP: PP1_Strong, PM4, PS3_Moderate, PM2_Supporting, PS4_Supporting. (VCEP specifications version 2; 06.27.2023).

Laboratory of Molecular, Cellular and Translation Genetics in Otolaryngology/ Lim32-hcfmusp, University of Sao Paulo School of Medicine Clinics Hospital
Classification: Pathogenic for Autosomal dominant nonsyndromic hearing loss 2A. Last evaluated: 2026-04-30. Review status: criteria provided, single submitter. Criteria: ClinGen HL ACMG Specifications v1. Collection method: research. Allele origin: germline. Affected: yes. Not counted in ClinVar's aggregate classification.
Comment: NM_004700.4:c806_808del:p.(Ser269del). This variant has been classified as pathogenic. It is absent from population databases (PM2) and results in an in-frame deletion in a non-repeat region, supporting a deleterious effect on protein structure (PM4). The variant is located in a mutational hotspot and/or in a critical, well-established functional domain (PM1). It has been reported in multiple individuals with hearing loss (PS4_moderate), and functional studies support a damaging effect on the gene product (PS3_supporting). These combined lines of evidence support its pathogenic role in hearing loss.

Blueprint Genetics
Classification: Pathogenic for KCNQ4-related disorders. Last evaluated: 2024-10-24. Review status: criteria provided, single submitter. Criteria: ACMG Guidelines, 2015. Collection method: clinical testing. Allele origin: germline. Affected: yes. Observed: 2 variant alleles. Not counted in ClinVar's aggregate classification.

Labcorp Genetics (formerly Invitae), Labcorp
Classification: Pathogenic. Last evaluated: 2024-10-19. Review status: criteria provided, single submitter. Criteria: Invitae Variant Classification Sherloc (09022015). Collection method: clinical testing. Allele origin: germline. Not counted in ClinVar's aggregate classification.
Comment: This variant, c.806_808del, results in the deletion of 1 amino acid(s) of the KCNQ4 protein (p.Ser269del), but otherwise preserves the integrity of the reading frame. This variant is not present in population databases (gnomAD no frequency). This variant has been observed in individuals with autosomal dominant non-syndromic deafness (PMID: 23399560, 23443030). It has also been observed to segregate with disease in related individuals. ClinVar contains an entry for this variant (Variation ID: 208366). For these reasons, this variant has been classified as Pathogenic.

GeneDx
Classification: Pathogenic. Last evaluated: 2023-07-11. Review status: criteria provided, single submitter. Criteria: GeneDx Variant Classification Process June 2021. Collection method: clinical testing. Allele origin: germline. Affected: yes. Not counted in ClinVar's aggregate classification.
Comment: Published functional studies demonstrate a damaging effect (Lee et al., 2021); In-frame deletion of 1 amino acid in a non-repeat region; Not observed at significant frequency in large population cohorts (gnomAD); This variant is associated with the following publications: (PMID: 20301388, 23399560, 33367117, 23443030, 34316018, 23717403, 30311386)

Laboratory for Molecular Medicine, Mass General Brigham Personalized Medicine
Classification: Uncertain significance. Last evaluated: 2018-02-26. Review status: criteria provided, single submitter. Criteria: LMM Criteria. Collection method: clinical testing. Allele origin: germline. Observed: 2 variant alleles. Not counted in ClinVar's aggregate classification.
Comment: Variant classified as Uncertain Significance - Favor Pathogenic. The p.Ser269del variant in KCNQ4 has been reported in 2 individuals with bilateral sloping hear ing loss and segregated with disease in 9 affected relatives from 1 family (Wata be 2013, Abdelfatah 2013). However, there was one individual with a similar hear ing loss pattern and two additional individuals with other forms of hearing loss that did not harbor the variant, as well as 7 family members with hearing loss on the other side of the family that did not harbor the variant (Abdelfatah 2013 ). The p.Ser269del variant was absent from large population studies and is repor ted in ClinVar (Variation ID# 204595). This variant is a deletion of 1 amino aci d at position 269 and is not predicted to alter the protein reading-frame. In su mmary, while there is some suspicion for a pathogenic role, the clinical signifi cance of the p.Ser269del variant is uncertain. ACMG/AMP Criteria applied: PP1_St rong, PM2, PS4_Supporting, BS4.

ClinVar Staff, National Center for Biotechnology Information (NCBI)
Classification: Pathogenic for Autosomal dominant nonsyndromic hearing loss 2A. Last evaluated: 2015-08-20. Review status: no assertion criteria provided. Collection method: literature only. Allele origin: germline. Affected: yes. Not counted in ClinVar's aggregate classification.
Comment: This variant used to be reported in GeneReviews NBK1209.

Literature cited by the submitters: PubMed 34316018 (cited by ClinGen Hearing Loss Variant Curation Expert Panel); PubMed 23443030 (cited by 4 submitters); PubMed 23399560 (cited by 4 submitters); PubMed 42233699 (cited by Laboratory of Molecular, Cellular and Translation Genetics in Otolaryngology/ Lim32-hcfmusp, University of Sao Paulo School of Medicine Clinics Hospital); PubMed 20301388 (cited by ClinVar Staff, National Center for Biotechnology Information (NCBI)).